The following is an entry in ClinVar:

ClinVar aggregate classification (germline): Pathogenic (1 of 4 stars; one submission).

Conditions:
Hereditary cancer-predisposing syndrome. Also called: Tumor predisposition; Hereditary Cancer Syndrome; Hereditary neoplastic syndrome; Neoplastic Syndromes, Hereditary. Identifiers: Orphanet 140162, MedGen C0027672, MeSH D009386, MONDO:0015356.

Submission:

Ambry Genetics
Classification: Pathogenic for Hereditary cancer-predisposing syndrome. Last evaluated: 2023-09-15. Review status: criteria provided, single submitter. Criteria: Ambry Variant Classification Scheme 2023. Collection method: clinical testing. Allele origin: germline.
Comment: The c.68delT pathogenic mutation, located in coding exon 1 of the SDHB gene, results from a deletion of one nucleotide at nucleotide position 68, causing a translational frameshift with a predicted alternate stop codon (p.L23Rfs*54). This alteration has been observed in at least one individual with a personal and/or family history that is consistent with SDHB-related disease (Ambry internal data). This variant is considered to be rare based on population cohorts in the Genome Aggregation Database (gnomAD). This alteration is expected to result in loss of function by premature protein truncation or nonsense-mediated mRNA decay. As such, this alteration is interpreted as a disease-causing mutation.

NM_003000.3(SDHB):c.68del (p.Leu23fs)

Genes: SDHB (succinate dehydrogenase complex iron sulfur subunit B; minus strand), LOC129929542 (ATAC-STARR-seq lymphoblastoid active region 277; plus strand). Cytogenetic location: 1p36.13.
Variant type: Deletion.
Coding change: c.68del on transcript NM_003000.3 (MANE Select); coding-DNA position 68, one base deleted (T; older notation c.68delT).
Protein change: p.Leu23fs; shifts the reading frame from leucine 23.
Molecular consequence: frameshift variant.
Genome position (GRCh38, 1-based): chr1:17,053,952, A deleted on the plus strand (T on the coding strand, the reverse complement: SDHB is on the minus strand). VCF-style (leftmost placement, unchanged base first): chr1-17053951-CA-C. GRCh37 (hg19) VCF-style: chr1-17380446-CA-C.
Other names: c.68del, p.Leu23fs (NM_001407361.1); short protein forms L23fs.
Identifiers: ClinVar variation 2625097 (VCV002625097.2), dbSNP rs2525082838, ClinGen allele CA2582341894.
Genomic context (GRCh38, chr1:17,053,951, plus strand): 5'-TCCAGGCAGTCTCTGTGGCTTTCCTGACTTTTCCCTCTCTGAGGCTCCAGGACTCACCTG[CA>C]GGCAGGCTCCGCCAAGGGTTGTGGCCGGCAACCGGCGCCTCAAGGAGAGGGCGACCACCG-3'